The following is an entry in ClinVar:

NM_004360.5(CDH1):c.69GGAGCC[1] (p.24EP[1])

Gene: CDH1 (cadherin 1; plus strand). Cytogenetic location: 16q22.1.
Variant type: Microsatellite.
Coding change: c.69GGAGCC[1] on transcript NM_004360.5 (MANE Select); one copy of the 6-base unit GGAGCC starting at c.69; the reference has two copies in a row; one copy, 6 bases deleted.
Protein change: p.24EP[1].
Molecular consequence: inframe deletion. On other transcripts: 5 prime UTR variant (2).
Genome position (GRCh38, 1-based): chr16:68,738,323-68,738,328, GGAGCC deleted; deleting any 6 consecutive bases within chr16:68,738,317-68,738,328 gives the same sequence; the position shown is the placement nearest the transcript's 3' end. VCF-style (leftmost placement, unchanged base first): chr16-68738316-AGGAGCC-A. GRCh37 (hg19) VCF-style: chr16-68772219-AGGAGCC-A.
Other names: c.69GGAGCC[1], p.24EP[1] (NM_001317184.2); c.-1547GGAGCC[1] (NM_001317185.2); c.-1751GGAGCC[1] (NM_001317186.2).
Identifiers: ClinVar variation 4733483 (VCV004733483.1).

ClinVar aggregate classification (germline): Uncertain significance (1 of 4 stars; one submission).

Conditions:
Hereditary diffuse gastric adenocarcinoma (HDGC). Also called: DIFFUSE GASTRIC AND LOBULAR BREAST CANCER SYNDROME. Identifiers: Orphanet 26106, MedGen C1708349, MONDO:0007648, OMIM 137215.

Submission:

Labcorp Genetics (formerly Invitae), Labcorp
Classification: Uncertain significance for Hereditary diffuse gastric adenocarcinoma. Last evaluated: 2025-12-17. Review status: criteria provided, single submitter. Criteria: Invitae Variant Classification Sherloc (09022015). Collection method: clinical testing. Allele origin: germline.
Comment: This variant, c.75_80del, results in the deletion of 2 amino acid(s) of the CDH1 protein (p.Glu26_Pro27del), but otherwise preserves the integrity of the reading frame. This variant is not present in population databases (gnomAD no frequency). This variant has not been reported in the literature in individuals affected with CDH1-related conditions. Experimental studies and prediction algorithms are not available or were not evaluated, and the functional significance of this variant is currently unknown. In summary, the available evidence is currently insufficient to determine the role of this variant in disease. Therefore, it has been classified as a Variant of Uncertain Significance.